The following is an entry in ClinVar:

NM_005476.7(GNE):c.73C>T (p.Leu25Phe)

Gene: GNE (glucosamine (UDP-N-acetyl)-2-epimerase/N-acetylmannosamine kinase; minus strand). Cytogenetic location: 9p13.3.
Variant type: single nucleotide variant.
Coding change: c.73C>T on transcript NM_005476.7 (MANE Select); coding-DNA position 73, C replaced by T.
Protein change: p.Leu25Phe; replaces leucine 25 with phenylalanine.
Molecular consequence: missense variant. On other transcripts: intron variant (3).
Genome position (GRCh38, 1-based): chr9:36,249,283, G>A on the plus strand (C>T on the coding strand, the complement: GNE is on the minus strand). VCF-style: chr9-36249283-G-A. GRCh37 (hg19) VCF-style: chr9-36249280-G-A.
Other names: c.166C>T, p.Leu56Phe (NM_001128227.3); c.73C>T, p.Leu25Phe (NM_001190383.3, NM_001374797.1); c.-13-2801C>T (NM_001190388.2, NM_001190384.3, NM_001374798.1); short protein forms L25F, L56F.
Identifiers: ClinVar variation 938792 (VCV000938792.9), dbSNP rs373398528, ClinGen allele CA192830737.

ClinVar aggregate classification (germline): Uncertain significance (1 of 4 stars; one submission).

Conditions:
GNE myopathy (NM). Also called: MYOPATHY, DISTAL, WITH OR WITHOUT RIMMED VACUOLES; IBM 2; Inclusion body myopathy autosomal recessive; Inclusion body myopathy quadriceps sparing; NONAKA DISTAL MYOPATHY; INCLUSION BODY MYOPATHY, HEREDITARY, AUTOSOMAL RECESSIVE. Identifiers: Orphanet 602, MedGen C1853926, MONDO:0011603, OMIM 605820.
Sialuria. Also called: SIALURIA, FRENCH TYPE; Sialic Acid Storage Disease. Identifiers: Orphanet 3166, MedGen C0342853, MONDO:0010028, OMIM 269921.

Allele frequency attached by ClinVar (database versions not stated): gnomAD exomes below 0.00001; ESP Exome Variant Server 0.00008.
gnomAD v4.1: 3 of 1,614,168 alleles (0.00019%); highest among the groups gnomAD compares: African/African-American, 0.0013%; no homozygotes.

Submission:

Labcorp Genetics (formerly Invitae), Labcorp
Classification: Uncertain significance for Sialuria; GNE myopathy. Last evaluated: 2025-11-01. Review status: criteria provided, single submitter. Criteria: Invitae Variant Classification Sherloc (09022015). Collection method: clinical testing. Allele origin: germline.
Comment: This sequence change replaces leucine, which is neutral and non-polar, with phenylalanine, which is neutral and non-polar, at codon 56 of the GNE protein (p.Leu56Phe). This variant is not present in population databases (gnomAD no frequency). This variant has not been reported in the literature in individuals affected with GNE-related conditions. ClinVar contains an entry for this variant (Variation ID: 938792). Invitae Evidence Modeling of protein sequence and biophysical properties (such as structural, functional, and spatial information, amino acid conservation, physicochemical variation, residue mobility, and thermodynamic stability) has been performed for this missense variant. However, the output from this modeling did not meet the statistical confidence thresholds required to predict the impact of this variant on GNE protein function. In summary, the available evidence is currently insufficient to determine the role of this variant in disease. Therefore, it has been classified as a Variant of Uncertain Significance.